The following is an entry in ClinVar:

NM_004304.5(ALK):c.1879A>C (p.Asn627His)

Gene: ALK (ALK receptor tyrosine kinase; minus strand). Cytogenetic location: 2p23.2.
Variant type: single nucleotide variant.
Coding change: c.1879A>C on transcript NM_004304.5 (MANE Select); coding-DNA position 1879, A replaced by C.
Protein change: p.Asn627His; replaces asparagine 627 with histidine.
Molecular consequence: missense variant.
Genome position (GRCh38, 1-based): chr2:29,275,435, T>G on the plus strand (A>C on the coding strand, the complement: ALK is on the minus strand). VCF-style: chr2-29275435-T-G. GRCh37 (hg19) VCF-style: chr2-29498301-T-G.
Other names: short protein forms N627H.
Identifiers: ClinVar variation 1781833 (VCV001781833.2), dbSNP rs1665516024, ClinGen allele CA346479925.
Genomic context (GRCh38, chr2:29,275,435, plus strand): 5'-AGAGTGCTGGGGTCAGAGTGAACTCACTGGTGAGGTAGCAGTCCAGGCTGATGGAGATAT[T>G]GTCAAAAGCCACGATGGCTCTGGATCCTTGTCCCCACCATGCGACCATCTGCAGCCAGAA-3'
Protein context (NP_004295.2, residues 617-637): QGSRAIVAFD[Asn627His]ISISLDCYLT

ClinVar aggregate classification (germline): Uncertain significance (1 of 4 stars; one submission).

Conditions:
Hereditary cancer-predisposing syndrome. Also called: Neoplastic Syndromes, Hereditary; Tumor predisposition; Hereditary Cancer Syndrome; Hereditary neoplastic syndrome. Identifiers: Orphanet 140162, MedGen C0027672, MeSH D009386, MONDO:0015356.

Submission:

Ambry Genetics
Classification: Uncertain significance for Hereditary cancer-predisposing syndrome. Last evaluated: 2022-06-11. Review status: criteria provided, single submitter. Criteria: Ambry Variant Classification Scheme 2023. Collection method: clinical testing. Allele origin: germline.
Comment: The p.N627H variant (also known as c.1879A>C), located in coding exon 10 of the ALK gene, results from an A to C substitution at nucleotide position 1879. The asparagine at codon 627 is replaced by histidine, an amino acid with similar properties. This amino acid position is conserved. In addition, this alteration is predicted to be tolerated by in silico analysis. Since supporting evidence is limited at this time, the clinical significance of this alteration remains unclear.